The following is an entry in ClinVar:

NM_000548.5(TSC2):c.901A>T (p.Met301Leu)

Gene: TSC2 (TSC complex subunit 2; plus strand). Cytogenetic location: 16p13.3.
Variant type: single nucleotide variant.
Coding change: c.901A>T on transcript NM_000548.5 (MANE Select); coding-DNA position 901, A replaced by T.
Protein change: p.Met301Leu; replaces methionine 301 with leucine.
Molecular consequence: missense variant. On other transcripts: 5 prime UTR variant (10), non-coding transcript variant (5).
Genome position (GRCh38, 1-based): chr16:2,058,799, A>T. VCF-style: chr16-2058799-A-T. GRCh37 (hg19) VCF-style: chr16-2108800-A-T.
Other names: c.901A>T, p.Met301Leu (NM_001077183.3, NM_001114382.3, NM_021055.3 and 6 more transcripts); c.790A>T, p.Met264Leu (NM_001318827.2, NM_001406678.1, NM_001406670.1); c.754A>T, p.Met252Leu (NM_001318829.2, NM_001406675.1, NM_001406676.1 and 1 more transcripts); c.301A>T, p.Met101Leu (NM_001318831.2, NM_001406680.1, NM_001406682.1 and 6 more transcripts); c.889A>T, p.Met297Leu (NM_001406671.1, NM_001406673.1); c.844A>T, p.Met282Leu (NM_001406677.1); c.439A>T, p.Met147Leu (NM_001406681.1); c.-531A>T (NM_001406689.1, NM_001406690.1, NM_001406691.1 and 4 more transcripts); and 4 more; short protein forms M282L, M252L, M297L, M301L, M312L, M101L, M147L, M264L.
Identifiers: ClinVar variation 3686513 (VCV003686513.2).

ClinVar aggregate classification (germline): Uncertain significance (1 of 4 stars; one submission).

Conditions:
Tuberous sclerosis 2 (TSC2). Identifiers: Orphanet 805, MedGen C1860707, MONDO:0013199, OMIM 613254.

Submission:

Labcorp Genetics (formerly Invitae), Labcorp
Classification: Uncertain significance for Tuberous sclerosis 2. Last evaluated: 2024-11-16. Review status: criteria provided, single submitter. Criteria: Invitae Variant Classification Sherloc (09022015). Collection method: clinical testing. Allele origin: germline.
Comment: This sequence change replaces methionine, which is neutral and non-polar, with leucine, which is neutral and non-polar, at codon 301 of the TSC2 protein (p.Met301Leu). This variant is not present in population databases (gnomAD no frequency). This variant has not been reported in the literature in individuals affected with TSC2-related conditions. Invitae Evidence Modeling of protein sequence and biophysical properties (such as structural, functional, and spatial information, amino acid conservation, physicochemical variation, residue mobility, and thermodynamic stability) indicates that this missense variant is not expected to disrupt TSC2 protein function with a negative predictive value of 95%. In summary, the available evidence is currently insufficient to determine the role of this variant in disease. Therefore, it has been classified as a Variant of Uncertain Significance.